The following is an entry in ClinVar:

NM_000465.4(BARD1):c.1342T>G (p.Leu448Val)

Gene: BARD1 (BRCA1 associated RING domain 1; minus strand). Cytogenetic location: 2q35.
Variant type: single nucleotide variant.
Coding change: c.1342T>G on transcript NM_000465.4 (MANE Select); coding-DNA position 1342, T replaced by G.
Protein change: p.Leu448Val; replaces leucine 448 with valine.
Molecular consequence: missense variant. On other transcripts: non-coding transcript variant (3), intron variant (3).
Genome position (GRCh38, 1-based): chr2:214,769,285, A>C on the plus strand (T>G on the coding strand, the complement: BARD1 is on the minus strand). VCF-style: chr2-214769285-A-C. GRCh37 (hg19) VCF-style: chr2-215634009-A-C.
Other names: c.1285T>G, p.Leu429Val (NM_001282543.2); c.159-16730T>G (NM_001282548.2); c.216-16730T>G (NM_001282545.2); c.364+23012T>G (NM_001282549.2); short protein forms L448V, L429V.
Identifiers: ClinVar variation 924787 (VCV000924787.4), dbSNP rs1694363418, ClinGen allele CA350450432.

ClinVar aggregate classification (germline): Uncertain significance (1 of 4 stars; one submission).

Conditions:
Hereditary cancer-predisposing syndrome. Also called: Neoplastic Syndromes, Hereditary; Tumor predisposition; Hereditary Cancer Syndrome; Hereditary neoplastic syndrome. Identifiers: Orphanet 140162, MedGen C0027672, MeSH D009386, MONDO:0015356.

Submission:

Color Diagnostics, LLC DBA Color Health
Classification: Uncertain significance for Hereditary cancer-predisposing syndrome. Last evaluated: 2023-12-05. Review status: criteria provided, single submitter. Criteria: ACMG Guidelines, 2015. Collection method: clinical testing. Allele origin: germline.
Comment: This missense variant replaces leucine with valine at codon 448 of the BARD1 protein. Computational prediction is inconclusive regarding the impact of this variant on protein structure and function (internally defined REVEL score threshold 0.5 < inconclusive < 0.7, PMID: 27666373). To our knowledge, functional studies have not been reported for this variant. This variant has not been reported in individuals affected with BARD1-related disorders in the literature. This variant has not been identified in the general population by the Genome Aggregation Database (gnomAD). The available evidence is insufficient to determine the role of this variant in disease conclusively. Therefore, this variant is classified as a Variant of Uncertain Significance.